The following is an entry in ClinVar:

NM_000063.6(C2):c.1201A>C (p.Lys401Gln)

Genes: C2 (complement C2; plus strand), C2-AS1 (C2 antisense RNA 1; minus strand). Cytogenetic location: 6p21.33.
Variant type: single nucleotide variant.
Coding change: c.1201A>C on transcript NM_000063.6 (MANE Select); coding-DNA position 1201, A replaced by C.
Protein change: p.Lys401Gln; replaces lysine 401 with glutamine.
Molecular consequence: missense variant.
Genome position (GRCh38, 1-based): chr6:31,939,302, A>C. VCF-style: chr6-31939302-A-C. GRCh37 (hg19) VCF-style: chr6-31907079-A-C.
Other names: c.805A>C, p.Lys269Gln (NM_001145903.3); c.559A>C, p.Lys187Gln (NM_001178063.3); c.463A>C, p.Lys155Gln (NM_001282457.2); c.1114A>C, p.Lys372Gln (NM_001282458.2); short protein forms K187Q, K372Q, K269Q, K155Q, K401Q.
Identifiers: ClinVar variation 1374344 (VCV001374344.8), dbSNP rs2151763697, ClinGen allele CA363373925.

ClinVar aggregate classification (germline): Uncertain significance (1 of 4 stars; one submission).

Submission:

Labcorp Genetics (formerly Invitae), Labcorp
Classification: Uncertain significance. Last evaluated: 2021-02-19. Review status: criteria provided, single submitter. Criteria: Invitae Variant Classification Sherloc (09022015). Collection method: clinical testing. Allele origin: germline.
Comment: This sequence change replaces lysine with glutamine at codon 401 of the C2 protein (p.Lys401Gln). The lysine residue is moderately conserved and there is a small physicochemical difference between lysine and glutamine. In summary, the available evidence is currently insufficient to determine the role of this variant in disease. Therefore, it has been classified as a Variant of Uncertain Significance. Algorithms developed to predict the effect of missense changes on protein structure and function output the following: SIFT: "Tolerated"; PolyPhen-2: "Benign"; Align-GVGD: "Class C0". The glutamine amino acid residue is found in multiple mammalian species, suggesting that this missense change does not adversely affect protein function. These predictions have not been confirmed by published functional studies and their clinical significance is uncertain. This variant has not been reported in the literature in individuals with C2-related conditions. This variant is not present in population databases (ExAC no frequency).